The following is an entry in ClinVar:

NM_001283009.2(RTEL1):c.1804A>G (p.Ile602Val)

Genes: RTEL1 (regulator of telomere elongation helicase 1; plus strand), RTEL1-TNFRSF6B (RTEL1-TNFRSF6B readthrough (NMD candidate); plus strand). Cytogenetic location: 20q13.33.
Variant type: single nucleotide variant.
Coding change: c.1804A>G on transcript NM_001283009.2 (MANE Select); coding-DNA position 1804, A replaced by G.
Protein change: p.Ile602Val; replaces isoleucine 602 with valine.
Molecular consequence: missense variant. On other transcripts: non-coding transcript variant (1).
Genome position (GRCh38, 1-based): chr20:63,689,058, A>G. VCF-style: chr20-63689058-A-G. GRCh37 (hg19) VCF-style: chr20-62320411-A-G.
Other names: c.1135A>G, p.Ile379Val (NM_001283010.1); c.1804A>G, p.Ile602Val (NM_016434.4); c.1876A>G, p.Ile626Val (NM_032957.5); short protein forms I602V, I626V, I379V.
Identifiers: ClinVar variation 3948258 (VCV003948258.2).
Genomic context (GRCh38, chr20:63,689,058, plus strand): 5'-GGGGAGGAAGGGGCTGGGGGGGGGCTCCAGGCTCAGCCTCACCAACTTTCCTTCCAGACC[A>G]TCAGTGCTTACTATGCAAGGGTTGCCGCCCCTGGGTCCACCGGCGCCACCTTCCTGGCGG-3'
Protein context (NP_001269938.1, residues 592-612): PRSKGSFSET[Ile602Val]SAYYARVAAP

ClinVar aggregate classification (germline): Uncertain significance. Review status: criteria provided, multiple submitters, no conflicts (2 of 4 stars). 2 submissions from 2 submitters: Uncertain significance (2). Last evaluated 2025-03-26.

Conditions:
Dyskeratosis congenita, autosomal recessive 5 (DKCB5). Identifiers: MedGen C3554656, MONDO:0014076, OMIM 615190.
Pulmonary fibrosis and/or bone marrow failure, Telomere-related, 3. Also called: PULMONARY FIBROSIS AND/OR BONE MARROW FAILURE SYNDROME, TELOMERE-RELATED, 3. Identifiers: Orphanet 2032, MedGen C4225346, MONDO:0014613, OMIM 616373.
Inborn genetic diseases. Identifiers: MedGen C0950123, MeSH D030342.

Submissions (2):

Ambry Genetics
Classification: Uncertain significance for Inborn genetic diseases. Last evaluated: 2025-03-26. Review status: criteria provided, single submitter. Criteria: Ambry Variant Classification Scheme 2023. Collection method: clinical testing. Allele origin: germline.
Comment: The p.I602V variant (also known as c.1804A>G), located in coding exon 21 of the RTEL1 gene, results from an A to G substitution at nucleotide position 1804. The isoleucine at codon 602 is replaced by valine, an amino acid with highly similar properties. This amino acid position is conserved. In addition, the in silico prediction for this alteration is inconclusive. Based on the available evidence, the clinical significance of this variant remains unclear.

Labcorp Genetics (formerly Invitae), Labcorp
Classification: Uncertain significance for Dyskeratosis congenita, autosomal recessive 5; Pulmonary fibrosis and/or bone marrow failure, Telomere-related, 3. Last evaluated: 2025-03-05. Review status: criteria provided, single submitter. Criteria: Invitae Variant Classification Sherloc (09022015). Collection method: clinical testing. Allele origin: germline.
Comment: This sequence change replaces isoleucine, which is neutral and non-polar, with valine, which is neutral and non-polar, at codon 602 of the RTEL1 protein (p.Ile602Val). This variant is not present in population databases (gnomAD no frequency). This variant has not been reported in the literature in individuals affected with RTEL1-related conditions. An algorithm developed to predict the effect of missense changes on protein structure and function outputs the following: PolyPhen-2: "Benign". The valine amino acid residue is found in multiple mammalian species, which suggests that this missense change does not adversely affect protein function. In summary, the available evidence is currently insufficient to determine the role of this variant in disease. Therefore, it has been classified as a Variant of Uncertain Significance.